The following is an entry in ClinVar:

NM_000218.3(KCNQ1):c.1492A>G (p.Thr498Ala)

Genes: KCNQ1 (potassium voltage-gated channel subfamily Q member 1; plus strand), KCNQ1OT1 (KCNQ1 opposite strand/antisense transcript 1; minus strand). Cytogenetic location: 11p15.5.
Variant type: single nucleotide variant.
Coding change: c.1492A>G on transcript NM_000218.3 (MANE Select); coding-DNA position 1492, A replaced by G.
Protein change: p.Thr498Ala; replaces threonine 498 with alanine.
Molecular consequence: missense variant. On other transcripts: non-coding transcript variant (1).
Genome position (GRCh38, 1-based): chr11:2,662,059, A>G. VCF-style: chr11-2662059-A-G. GRCh37 (hg19) VCF-style: chr11-2683289-A-G.
Other names: c.1396A>G, p.Thr466Ala (NM_001406836.1); c.1222A>G, p.Thr408Ala (NM_001406837.1); c.952A>G, p.Thr318Ala (NM_001406838.1); c.1111A>G, p.Thr371Ala (NM_181798.2); short protein forms T318A, T408A, T466A, T371A, T498A.
Identifiers: ClinVar variation 4709536 (VCV004709536.1).

ClinVar aggregate classification (germline): Uncertain significance (1 of 4 stars; one submission).

Conditions:
Long QT syndrome (LQTS). Identifiers: MedGen C0023976, MeSH D008133, MONDO:0002442. Disease mechanism: loss of function. Inheritance: Various modes of inheritance.

Submission:

Labcorp Genetics (formerly Invitae), Labcorp
Classification: Uncertain significance for Long QT syndrome. Last evaluated: 2026-01-19. Review status: criteria provided, single submitter. Criteria: Invitae Variant Classification Sherloc (09022015). Collection method: clinical testing. Allele origin: germline.
Comment: This sequence change replaces threonine, which is neutral and polar, with alanine, which is neutral and non-polar, at codon 498 of the KCNQ1 protein (p.Thr498Ala). This variant is not present in population databases (gnomAD no frequency). This variant has not been reported in the literature in individuals affected with KCNQ1-related conditions. Invitae Evidence Modeling of protein sequence and biophysical properties (such as structural, functional, and spatial information, amino acid conservation, physicochemical variation, residue mobility, and thermodynamic stability) indicates that this missense variant is not expected to disrupt KCNQ1 protein function with a negative predictive value of 95%. In summary, the available evidence is currently insufficient to determine the role of this variant in disease. Therefore, it has been classified as a Variant of Uncertain Significance.